The following is an entry in ClinVar:

NM_001377.3(DYNC2H1):c.12547C>T (p.Leu4183Phe)

Gene: DYNC2H1 (dynein cytoplasmic 2 heavy chain 1; plus strand). Cytogenetic location: 11q22.3.
Variant type: single nucleotide variant.
Coding change: c.12547C>T on transcript NM_001377.3 (MANE Select); coding-DNA position 12547, C replaced by T.
Protein change: p.Leu4183Phe; replaces leucine 4183 with phenylalanine.
Molecular consequence: missense variant.
Genome position (GRCh38, 1-based): chr11:103,455,276, C>T. VCF-style: chr11-103455276-C-T. GRCh37 (hg19) VCF-style: chr11-103326004-C-T.
Other names: c.12568C>T, p.Leu4190Phe (NM_001080463.2); short protein forms L4183F, L4190F.
Identifiers: ClinVar variation 1224405 (VCV001224405.4), dbSNP rs1944748642, ClinGen allele CA382289622.

ClinVar aggregate classification (germline): Uncertain significance. Review status: criteria provided, multiple submitters, no conflicts (2 of 4 stars). 2 submissions from 2 submitters: Uncertain significance (2). Last evaluated 2024-06-23.

Conditions:
Jeune thoracic dystrophy. Also called: Short-rib thoracic dysplasia; Infantile thoracic dystrophy; Thoracic pelvic phalangeal dystrophy; Jeune's syndrome; Chondroectodermal dysplasia-like syndrome; Jeune syndrome. Identifiers: Orphanet 474, MedGen C0265275, MONDO:0018770.

gnomAD v4.1: 4 of 1,613,278 alleles (0.00025%); highest among the groups gnomAD compares: Non-Finnish European, 0.00034%; no homozygotes.

Submissions (2):

Labcorp Genetics (formerly Invitae), Labcorp
Classification: Uncertain significance for Jeune thoracic dystrophy. Last evaluated: 2024-06-23. Review status: criteria provided, single submitter. Criteria: Invitae Variant Classification Sherloc (09022015). Collection method: clinical testing. Allele origin: germline.
Comment: This sequence change replaces leucine, which is neutral and non-polar, with phenylalanine, which is neutral and non-polar, at codon 4190 of the DYNC2H1 protein (p.Leu4190Phe). This variant is not present in population databases (gnomAD no frequency). This variant has not been reported in the literature in individuals affected with DYNC2H1-related conditions. ClinVar contains an entry for this variant (Variation ID: 1224405). Advanced modeling of protein sequence and biophysical properties (such as structural, functional, and spatial information, amino acid conservation, physicochemical variation, residue mobility, and thermodynamic stability) has been performed at Invitae for this missense variant, however the output from this modeling did not meet the statistical confidence thresholds required to predict the impact of this variant on DYNC2H1 protein function. In summary, the available evidence is currently insufficient to determine the role of this variant in disease. Therefore, it has been classified as a Variant of Uncertain Significance.

Blueprint Genetics
Classification: Uncertain significance. Last evaluated: 2019-12-16. Review status: criteria provided, single submitter. Criteria: ACMG Guidelines, 2015. Collection method: clinical testing. Allele origin: germline.